The following is an entry in ClinVar:

NM_198098.4(AQP1):c.566_577dup (p.Asn192_Pro193insArgGlyIleAsn)

Gene: AQP1 (aquaporin 1 (Colton blood group); plus strand). Cytogenetic location: 7p14.3.
Variant type: Duplication.
Coding change: c.566_577dup on transcript NM_198098.4 (MANE Select); coding-DNA positions 566 to 577, 12 bases duplicated (GTGGGATTAACC).
Protein change: p.Asn192_Pro193insArgGlyIleAsn.
Molecular consequence: inframe insertion.
Genome position (GRCh38, 1-based): chr7:30,922,580-30,922,591, GTGGGATTAACC duplicated. VCF-style (leftmost placement, unchanged base first): chr7-30922579-T-TGTGGGATTAACC. GRCh37 (hg19) VCF-style: chr7-30962194-T-TGTGGGATTAACC.
Other names: c.566_577dup, p.Asn192_Pro193insArgGlyIleAsn (NM_001329872.2).
Identifiers: ClinVar variation 2788025 (VCV002788025.3), dbSNP rs1791548747, ClinGen allele CA1697919679.

ClinVar aggregate classification (germline): Uncertain significance (1 of 4 stars; one submission).

Allele frequency attached by ClinVar (database versions not stated): TOPMed 0.00001.

Submission:

Labcorp Genetics (formerly Invitae), Labcorp
Classification: Uncertain significance. Last evaluated: 2023-05-17. Review status: criteria provided, single submitter. Criteria: Invitae Variant Classification Sherloc (09022015). Collection method: clinical testing. Allele origin: germline.
Comment: This variant, c.566_577dup, results in the insertion of 4 amino acid(s) of the AQP1 protein (p.Asn192_Pro193insArgGlyIleAsn), but otherwise preserves the integrity of the reading frame. This variant is not present in population databases (gnomAD no frequency). This variant has not been reported in the literature in individuals affected with AQP1-related conditions. In summary, the available evidence is currently insufficient to determine the role of this variant in disease. Therefore, it has been classified as a Variant of Uncertain Significance.